The following is an entry in ClinVar:

NM_203447.4(DOCK8):c.3937A>G (p.Arg1313Gly)

Gene: DOCK8 (dedicator of cytokinesis 8; plus strand). Cytogenetic location: 9p24.3.
Variant type: single nucleotide variant.
Coding change: c.3937A>G on transcript NM_203447.4 (MANE Select); coding-DNA position 3937, A replaced by G.
Protein change: p.Arg1313Gly; replaces arginine 1313 with glycine.
Molecular consequence: missense variant.
Genome position (GRCh38, 1-based): chr9:420,497, A>G. VCF-style: chr9-420497-A-G. GRCh37 (hg19) VCF-style: chr9-420497-A-G.
Other names: c.3637A>G, p.Arg1213Gly (NM_001190458.2); c.3733A>G, p.Arg1245Gly (NM_001193536.2); short protein forms R1213G, R1313G, R1245G.
Identifiers: ClinVar variation 1046500 (VCV001046500.9), dbSNP rs1306413076, ClinGen allele CA372763940.

ClinVar aggregate classification (germline): Uncertain significance (1 of 4 stars; one submission).

Conditions:
Combined immunodeficiency due to DOCK8 deficiency (HIES2). Also called: DOCK8 Deficiency; HIES autosomal recessive; HYPER-IgE RECURRENT INFECTION SYNDROME 2, AUTOSOMAL RECESSIVE; HYPER-IgE SYNDROME 2, AUTOSOMAL RECESSIVE, WITH RECURRENT INFECTIONS; Hyper-IgE recurrent infection syndrome, autosomal recessive. Identifiers: Orphanet 217390, MedGen C4722305, MONDO:0009478, OMIM 243700.

Allele frequency attached by ClinVar (database versions not stated): gnomAD exomes below 0.00001; gnomAD 0.00001.
gnomAD v4.1: 2 of 1,614,062 alleles (0.00012%); highest among the groups gnomAD compares: South Asian, 0.0011%; no homozygotes.

Submission:

Labcorp Genetics (formerly Invitae), Labcorp
Classification: Uncertain significance for Combined immunodeficiency due to DOCK8 deficiency. Last evaluated: 2020-05-20. Review status: criteria provided, single submitter. Criteria: Invitae Variant Classification Sherloc (09022015). Collection method: clinical testing. Allele origin: germline.
Comment: This sequence change replaces arginine with glycine at codon 1313 of the DOCK8 protein (p.Arg1313Gly). The arginine residue is moderately conserved and there is a moderate physicochemical difference between arginine and glycine. This variant has not been reported in the literature in individuals with DOCK8-related conditions. In summary, the available evidence is currently insufficient to determine the role of this variant in disease. Therefore, it has been classified as a Variant of Uncertain Significance. Algorithms developed to predict the effect of missense changes on protein structure and function (SIFT, PolyPhen-2, Align-GVGD) all suggest that this variant is likely to be tolerated, but these predictions have not been confirmed by published functional studies and their clinical significance is uncertain. This variant is not present in population databases (ExAC no frequency).